The following is an entry in ClinVar:

NM_024642.5(GALNT12):c.461G>T (p.Arg154Leu)

Gene: GALNT12 (polypeptide N-acetylgalactosaminyltransferase 12; plus strand). Cytogenetic location: 9q22.33.
Variant type: single nucleotide variant.
Coding change: c.461G>T on transcript NM_024642.5 (MANE Select); coding-DNA position 461, G replaced by T.
Protein change: p.Arg154Leu; replaces arginine 154 with leucine.
Molecular consequence: missense variant.
Genome position (GRCh38, 1-based): chr9:98,823,345, G>T. VCF-style: chr9-98823345-G-T. GRCh37 (hg19) VCF-style: chr9-101585627-G-T.
Other names: short protein forms R154L.
Identifiers: ClinVar variation 1741953 (VCV001741953.3), dbSNP rs756339026, ClinGen allele CA5153945.

ClinVar aggregate classification (germline): Uncertain significance (1 of 4 stars; one submission).

gnomAD v4.1: 3 of 1,613,994 alleles (0.00019%); highest among the groups gnomAD compares: East Asian, 0.0022%; no homozygotes.

Submission:

Ambry Genetics
Classification: Uncertain significance. Last evaluated: 2024-07-05. Review status: criteria provided, single submitter. Criteria: Ambry Variant Classification Scheme 2023. Collection method: clinical testing. Allele origin: germline.
Comment: The p.R154L variant (also known as c.461G>T), located in coding exon 2 of the GALNT12 gene, results from a G to T substitution at nucleotide position 461. The arginine at codon 154 is replaced by leucine, an amino acid with dissimilar properties. This amino acid position is highly conserved in available vertebrate species. In addition, this alteration is predicted to be deleterious by in silico analysis. The evidence for this gene-disease relationship is limited; therefore, the clinical significance of this alteration is unclear.